The following is an entry in ClinVar:

ClinVar aggregate classification (germline): Uncertain significance (1 of 4 stars; one submission).

Conditions:
Inborn genetic diseases. Identifiers: MedGen C0950123, MeSH D030342.

gnomAD v4.1: 5 of 1,581,822 alleles (0.00032%); highest among the groups gnomAD compares: Non-Finnish European, 0.00043%; no homozygotes.

Submission:

Ambry Genetics
Classification: Uncertain significance for Inborn genetic diseases. Last evaluated: 2025-12-22. Review status: criteria provided, single submitter. Criteria: Ambry Variant Classification Scheme 2023. Collection method: clinical testing. Allele origin: germline.
Comment: The c.1748G>T (p.W583L) alteration is located in exon 16 (coding exon 16) of the ATP13A2 gene. This alteration results from a G to T substitution at nucleotide position 1748, causing the tryptophan (W) at amino acid position 583 to be replaced by a leucine (L). Based on data from gnomAD, the T allele has an overall frequency of 0.002% (3/196426) total alleles studied. The highest observed frequency was 0.004% (3/83710) of European (non-Finnish) alleles. Based on insufficient or conflicting evidence, the clinical significance of this alteration remains unclear.

NM_022089.4(ATP13A2):c.1748G>T (p.Trp583Leu)

Gene: ATP13A2 (ATPase cation transporting 13A2; minus strand). Cytogenetic location: 1p36.13.
Variant type: single nucleotide variant.
Coding change: c.1748G>T on transcript NM_022089.4 (MANE Select); coding-DNA position 1748, G replaced by T.
Protein change: p.Trp583Leu; replaces tryptophan 583 with leucine.
Molecular consequence: missense variant.
Genome position (GRCh38, 1-based): chr1:16,993,630, C>A on the plus strand (G>T on the coding strand, the complement: ATP13A2 is on the minus strand). VCF-style: chr1-16993630-C-A. GRCh37 (hg19) VCF-style: chr1-17320125-C-A.
Other names: c.1733G>T, p.Trp578Leu (NM_001141973.3, NM_001141974.3); short protein forms W578L, W583L.
Identifiers: ClinVar variation 4832360 (VCV004832360.1).